The following is an entry in ClinVar:

ClinVar aggregate classification (germline): Uncertain significance (1 of 4 stars; one submission).

Conditions:
Inborn genetic diseases. Identifiers: MedGen C0950123, MeSH D030342.

Submission:

Ambry Genetics
Classification: Uncertain significance for Inborn genetic diseases. Last evaluated: 2025-04-18. Review status: criteria provided, single submitter. Criteria: Ambry Variant Classification Scheme 2023. Collection method: clinical testing. Allele origin: germline.
Comment: The p.K92R variant (also known as c.275A>G), located in coding exon 1 of the CEBPA gene, results from an A to G substitution at nucleotide position 275. The lysine at codon 92 is replaced by arginine, an amino acid with highly similar properties. This amino acid position is conserved. In addition, this alteration is predicted to be tolerated by in silico analysis. Based on the available evidence, the clinical significance of this variant remains unclear.

NM_004364.5(CEBPA):c.275A>G (p.Lys92Arg)

Gene: CEBPA (CCAAT enhancer binding protein alpha; minus strand). Cytogenetic location: 19q13.11.
Variant type: single nucleotide variant.
Coding change: c.275A>G on transcript NM_004364.5 (MANE Select); coding-DNA position 275, A replaced by G.
Protein change: p.Lys92Arg; replaces lysine 92 with arginine.
Molecular consequence: missense variant. On other transcripts: 5 prime UTR variant (1).
Genome position (GRCh38, 1-based): chr19:33,302,140, T>C on the plus strand (A>G on the coding strand, the complement: CEBPA is on the minus strand). VCF-style: chr19-33302140-T-C. GRCh37 (hg19) VCF-style: chr19-33793046-T-C.
Other names: c.-83A>G (NM_001285829.2); c.380A>G, p.Lys127Arg (NM_001287424.2); c.233A>G, p.Lys78Arg (NM_001287435.2); short protein forms K127R, K78R, K92R.
Identifiers: ClinVar variation 3999995 (VCV003999995.1).